The following is an entry in ClinVar:

ClinVar aggregate classification (germline): Uncertain significance (1 of 4 stars; one submission).

Conditions:
Central core myopathy (CMYO1A). Also called: CONGENITAL MYOPATHY 1A, AUTOSOMAL DOMINANT, WITH SUSCEPTIBILITY TO MALIGNANT HYPERTHERMIA; Central core disease; Myopathy, central fibrillar. Identifiers: Orphanet 597, MedGen C5830701, MONDO:0007294, OMIM 117000.

Submission:

MGZ Medical Genetics Center
Classification: Uncertain significance for Central core myopathy. Last evaluated: 2022-05-13. Review status: criteria provided, single submitter. Criteria: ACMG Guidelines, 2015. Collection method: clinical testing. Allele origin: germline. Affected: yes. Observed: 1 variant allele.
Comment: ACMG criteria applied: PM2_SUP, PP3

NM_000540.3(RYR1):c.6995T>G (p.Leu2332Arg)

Gene: RYR1 (ryanodine receptor 1; plus strand). Cytogenetic location: 19q13.2.
Variant type: single nucleotide variant.
Coding change: c.6995T>G on transcript NM_000540.3 (MANE Select); coding-DNA position 6995, T replaced by G.
Protein change: p.Leu2332Arg; replaces leucine 2332 with arginine.
Molecular consequence: missense variant.
Genome position (GRCh38, 1-based): chr19:38,499,211, T>G. VCF-style: chr19-38499211-T-G. GRCh37 (hg19) VCF-style: chr19-38989851-T-G.
Other names: c.6995T>G, p.Leu2332Arg (NM_001042723.2); short protein forms L2332R.
Identifiers: ClinVar variation 1709254 (VCV001709254.2), dbSNP rs2514308731, ClinGen allele CA405667419.
Genomic context (GRCh38, chr19:38,499,211, plus strand): 5'-TGCTTGTGGCCAAAGGGTACCCAGACATTGGCTGGAACCCCTGTGGTGGAGAGCGCTACC[T>G]GGACTTCCTGCGCTTTGCTGTCTTCGTCAACGGTGAGGAGGGGGTGGCAGTGGCAGAGCG-3'
Protein context (NP_000531.2, residues 2322-2342): GWNPCGGERY[Leu2332Arg]DFLRFAVFVN